The following is an entry in ClinVar:

ClinVar aggregate classification (germline): Conflicting classifications of pathogenicity. Review status: criteria provided, conflicting classifications (1 of 4 stars). 5 submissions from 5 submitters: Uncertain significance (1); Likely benign (4). Last evaluated 2025-08-04.

Conditions:
Hereditary cancer-predisposing syndrome. Also called: Neoplastic Syndromes, Hereditary; Tumor predisposition; Hereditary Cancer Syndrome; Hereditary neoplastic syndrome. Identifiers: Orphanet 140162, MedGen C0027672, MeSH D009386, MONDO:0015356.
Familial cancer of breast. Also called: BREAST CANCER, FAMILIAL; hereditary breast carcinoma; Hereditary breast cancer. Identifiers: Orphanet 227535, MedGen C0346153, MONDO:0016419, OMIM 114480. Disease mechanism: loss of function.

Allele frequency attached by ClinVar (database versions not stated): gnomAD exomes below 0.00001 and 0.00001.

Submissions (5):

Labcorp Genetics (formerly Invitae), Labcorp
Classification: Uncertain significance for Familial cancer of breast. Last evaluated: 2025-08-04. Review status: criteria provided, single submitter. Criteria: Invitae Variant Classification Sherloc (09022015). Collection method: clinical testing. Allele origin: germline.
Comment: This sequence change replaces glycine, which is neutral and non-polar, with arginine, which is basic and polar, at codon 203 of the BARD1 protein (p.Gly203Arg). This variant is present in population databases (no rsID available, gnomAD no frequency). This variant has not been reported in the literature in individuals affected with BARD1-related conditions. ClinVar contains an entry for this variant (Variation ID: 232988). An algorithm developed to predict the effect of missense changes on protein structure and function outputs the following: PolyPhen-2: "Benign". The arginine amino acid residue is found in multiple mammalian species, which suggests that this missense change does not adversely affect protein function. In summary, the available evidence is currently insufficient to determine the role of this variant in disease. Therefore, it has been classified as a Variant of Uncertain Significance.

Color Diagnostics, LLC DBA Color Health
Classification: Likely benign for Hereditary cancer-predisposing syndrome. Last evaluated: 2024-09-19. Review status: criteria provided, single submitter. Criteria: ACMG Guidelines, 2015. Collection method: clinical testing. Allele origin: germline.

KCCC/NGS Laboratory, Kuwait Cancer Control Center
Classification: Likely benign for Familial cancer of breast. Last evaluated: 2023-07-07. Review status: criteria provided, single submitter. Criteria: ACMG Guidelines, 2015. Collection method: clinical testing. Allele origin: germline. Affected: yes.

GeneDx
Classification: Likely benign. Last evaluated: 2020-08-21. Review status: criteria provided, single submitter. Criteria: GeneDx Variant Classification Process June 2021. Collection method: clinical testing. Allele origin: germline. Affected: yes.
Comment: This variant is associated with the following publications: (PMID: 27997549)

Ambry Genetics
Classification: Likely benign for Hereditary cancer-predisposing syndrome. Last evaluated: 2017-11-29. Review status: criteria provided, single submitter. Criteria: Ambry Variant Classification Scheme 2023. Collection method: clinical testing. Allele origin: germline.

NM_000465.4(BARD1):c.607G>A (p.Gly203Arg)

Gene: BARD1 (BRCA1 associated RING domain 1; minus strand). Cytogenetic location: 2q35.
Variant type: single nucleotide variant.
Coding change: c.607G>A on transcript NM_000465.4 (MANE Select); coding-DNA position 607, G replaced by A.
Protein change: p.Gly203Arg; replaces glycine 203 with arginine.
Molecular consequence: missense variant. On other transcripts: non-coding transcript variant (2), intron variant (3).
Genome position (GRCh38, 1-based): chr2:214,781,267, C>T on the plus strand (G>A on the coding strand, the complement: BARD1 is on the minus strand). VCF-style: chr2-214781267-C-T. GRCh37 (hg19) VCF-style: chr2-215645991-C-T.
Other names: c.550G>A, p.Gly184Arg (NM_001282543.2); c.158+28145G>A (NM_001282548.2); c.215+15794G>A (NM_001282545.2); c.364+11030G>A (NM_001282549.2); short protein forms G203R, G184R.
Identifiers: ClinVar variation 232988 (VCV000232988.19), dbSNP rs730881415, ClinGen allele CA10577842.